The following is an entry in ClinVar:

NM_020719.3(PRR12):c.4712A>G (p.Glu1571Gly)

Gene: PRR12 (proline rich 12; plus strand). Cytogenetic location: 19q13.33.
Variant type: single nucleotide variant.
Coding change: c.4712A>G on transcript NM_020719.3 (MANE Select); coding-DNA position 4712, A replaced by G.
Protein change: p.Glu1571Gly; replaces glutamic acid 1571 with glycine.
Molecular consequence: missense variant.
Genome position (GRCh38, 1-based): chr19:49,601,857, A>G. VCF-style: chr19-49601857-A-G. GRCh37 (hg19) VCF-style: chr19-50105114-A-G.
Other names: short protein forms E1571G.
Identifiers: ClinVar variation 4527766 (VCV004527766.1).

ClinVar aggregate classification (germline): Uncertain significance (1 of 4 stars; one submission).

Submission:

GeneDx
Classification: Uncertain significance. Last evaluated: 2025-04-29. Review status: criteria provided, single submitter. Criteria: GeneDx Variant Classification Process June 2021. Collection method: clinical testing. Allele origin: germline. Affected: yes.
Comment: Not observed at significant frequency in large population cohorts (gnomAD); In silico analysis supports that this missense variant has a deleterious effect on protein structure/function; Has not been previously published as pathogenic or benign to our knowledge